The following is an entry in ClinVar:

ClinVar aggregate classification (germline): Benign. Review status: criteria provided, single submitter (1 of 4 stars). 2 submissions from 1 submitter: Benign (2). Last evaluated 2018-01-12.

Conditions:
Angiokeratoma corporis diffusum with arteriovenous fistulas. Identifiers: MedGen C1838141, MONDO:0010885, OMIM 600419.
Cerebral cavernous malformation (CCM). Also called: Cerebral cavernous hemangioma (type); Cerebral cavernous malformations; CAVERNOUS ANGIOMA, FAMILIAL; CAVERNOUS ANGIOMATOUS MALFORMATIONS; CEREBRAL CAPILLARY MALFORMATIONS; Cavernous Hemangioma of Brain. Identifiers: Orphanet 221061, MedGen C2919945, MONDO:0000820, OMIM 116860, HP:0033522.

Allele frequency attached by ClinVar (database versions not stated): 1000 Genomes Project 30x 0.02608; TOPMed 0.01353; 1000 Genomes Project 0.02656.

Submissions (2):

Illumina Laboratory Services, Illumina
Classification: Benign for Angiokeratoma corporis diffusum with arteriovenous fistulas. Last evaluated: 2018-01-12. Review status: criteria provided, single submitter. Criteria: ICSL Variant Classification Criteria 13 December 2019. Collection method: clinical testing. Allele origin: germline.
Comment: This variant was observed in the ICSL laboratory as part of a predisposition screen in an ostensibly healthy population. It had not been previously curated by ICSL or reported in the Human Gene Mutation Database (HGMD: prior to June 1st, 2018), and was therefore a candidate for classification through an automated scoring system. Utilizing variant allele frequency, disease prevalence and penetrance estimates, and inheritance mode, an automated score was calculated to assess if this variant is too frequent to cause the disease. Based on the score and internal cut-off values, a variant classified as benign is not then subjected to further curation. The score for this variant resulted in a classification of benign for this disease.

Illumina Laboratory Services, Illumina
Classification: Benign for Cerebral cavernous malformation. Last evaluated: 2018-01-12. Review status: criteria provided, single submitter. Criteria: ICSL Variant Classification Criteria 13 December 2019. Collection method: clinical testing. Allele origin: germline.
Comment: the same text as in the submission from Illumina Laboratory Services, Illumina above.

NM_194456.1(KRIT1):c.*1335T>C

Gene: KRIT1 (KRIT1 ankyrin repeat containing; minus strand). Cytogenetic location: 7q21.2.
Variant type: single nucleotide variant.
Coding change: c.*1335T>C on transcript NM_194456.1; 1335 bases downstream of the stop codon, T replaced by C.
Molecular consequence: 3 prime UTR variant.
Genome position (GRCh38, 1-based): chr7:92,199,401, A>G on the plus strand (T>C on the coding strand, the complement: KRIT1 is on the minus strand). VCF-style: chr7-92199401-A-G. GRCh37 (hg19) VCF-style: chr7-91828715-A-G.
Other names: c.*1335T>C (NM_001013406.2, NM_001350669.1, NM_001350670.1 and 29 more transcripts).
Identifiers: ClinVar variation 360867 (VCV000360867.7), dbSNP rs17164414, ClinGen allele CA10629612.